The following is an entry in ClinVar:

NM_024529.5(CDC73):c.1523G>A (p.Arg508Lys)

Gene: CDC73 (cell division cycle 73; plus strand). Cytogenetic location: 1q31.2.
Variant type: single nucleotide variant.
Coding change: c.1523G>A on transcript NM_024529.5 (MANE Select); coding-DNA position 1523, G replaced by A.
Protein change: p.Arg508Lys; replaces arginine 508 with lysine.
Molecular consequence: missense variant.
Genome position (GRCh38, 1-based): chr1:193,249,835, G>A. VCF-style: chr1-193249835-G-A. GRCh37 (hg19) VCF-style: chr1-193218965-G-A.
Other names: short protein forms R508K.
Identifiers: ClinVar variation 1774479 (VCV001774479.2), dbSNP rs1678017102, ClinGen allele CA344078577.

ClinVar aggregate classification (germline): Uncertain significance (1 of 4 stars; one submission).

Conditions:
Hereditary cancer-predisposing syndrome. Also called: Hereditary Cancer Syndrome; Hereditary neoplastic syndrome; Neoplastic Syndromes, Hereditary; Tumor predisposition. Identifiers: Orphanet 140162, MedGen C0027672, MeSH D009386, MONDO:0015356.

Submission:

Ambry Genetics
Classification: Uncertain significance for Hereditary cancer-predisposing syndrome. Last evaluated: 2022-07-06. Review status: criteria provided, single submitter. Criteria: Ambry Variant Classification Scheme 2023. Collection method: clinical testing. Allele origin: germline.
Comment: The p.R508K variant (also known as c.1523G>A), located in coding exon 16 of the CDC73 gene, results from a G to A substitution at nucleotide position 1523. The arginine at codon 508 is replaced by lysine, an amino acid with highly similar properties. This amino acid position is highly conserved in available vertebrate species. In addition, the in silico prediction for this alteration is inconclusive. Since supporting evidence is limited at this time, the clinical significance of this alteration remains unclear.